The following is an entry in ClinVar:

NM_015295.3(SMCHD1):c.3490G>A (p.Gly1164Ser)

Gene: SMCHD1 (structural maintenance of chromosomes flexible hinge domain containing 1; plus strand). Cytogenetic location: 18p11.32.
Variant type: single nucleotide variant.
Coding change: c.3490G>A on transcript NM_015295.3 (MANE Select); coding-DNA position 3490, G replaced by A.
Protein change: p.Gly1164Ser; replaces glycine 1164 with serine.
Molecular consequence: missense variant.
Genome position (GRCh38, 1-based): chr18:2,739,496, G>A. VCF-style: chr18-2739496-G-A. GRCh37 (hg19) VCF-style: chr18-2739494-G-A.
Other names: short protein forms G1164S.
Identifiers: ClinVar variation 1389945 (VCV001389945.8), dbSNP rs2143538437, ClinGen allele CA401687958.

ClinVar aggregate classification (germline): Uncertain significance (1 of 4 stars; one submission).

Conditions:
Facioscapulohumeral muscular dystrophy 2 (FSHD2). Also called: MUSCULAR DYSTROPHY, FACIOSCAPULOHUMERAL, TYPE 1B; FACIOSCAPULOHUMERAL MUSCULAR DYSTROPHY 2, DIGENIC; FSHD2, DIGENIC. Identifiers: Orphanet 269, MedGen C1834671, MONDO:0008031, OMIM 158901.

Submission:

Labcorp Genetics (formerly Invitae), Labcorp
Classification: Uncertain significance for Facioscapulohumeral muscular dystrophy 2. Last evaluated: 2021-04-23. Review status: criteria provided, single submitter. Criteria: Invitae Variant Classification Sherloc (09022015). Collection method: clinical testing. Allele origin: germline.
Comment: In summary, the available evidence is currently insufficient to determine the role of this variant in disease. Therefore, it has been classified as a Variant of Uncertain Significance. Algorithms developed to predict the effect of missense changes on protein structure and function (SIFT, PolyPhen-2, Align-GVGD) all suggest that this variant is likely to be disruptive, but these predictions have not been confirmed by published functional studies and their clinical significance is uncertain. This variant has not been reported in the literature in individuals with SMCHD1-related conditions. This variant is not present in population databases (ExAC no frequency). This sequence change replaces glycine with serine at codon 1164 of the SMCHD1 protein (p.Gly1164Ser). The glycine residue is highly conserved and there is a small physicochemical difference between glycine and serine.